The following is an entry in ClinVar:

ClinVar aggregate classification (germline): Uncertain significance (1 of 4 stars; one submission).

Submission:

GeneDx
Classification: Uncertain significance. Last evaluated: 2023-03-06. Review status: criteria provided, single submitter. Criteria: GeneDx Variant Classification Process June 2021. Collection method: clinical testing. Allele origin: germline. Affected: yes.
Comment: Not observed at significant frequency in large population cohorts (gnomAD); In silico analysis supports that this missense variant has a deleterious effect on protein structure/function; Has not been previously published as pathogenic or benign to our knowledge; Variants in candidate genes are classified as variants of uncertain significance in accordance with ACMG guidelines (Richards et al., 2015)

NM_017763.6(RNF43):c.608T>C (p.Met203Thr)

Gene: RNF43 (ring finger protein 43; minus strand). Cytogenetic location: 17q22.
Variant type: single nucleotide variant.
Coding change: c.608T>C on transcript NM_017763.6 (MANE Select); coding-DNA position 608, T replaced by C.
Protein change: p.Met203Thr; replaces methionine 203 with threonine.
Molecular consequence: missense variant.
Genome position (GRCh38, 1-based): chr17:58,362,623, A>G on the plus strand (T>C on the coding strand, the complement: RNF43 is on the minus strand). VCF-style: chr17-58362623-A-G. GRCh37 (hg19) VCF-style: chr17-56439984-A-G.
Other names: c.608T>C, p.Met203Thr (NM_001305544.3); c.227T>C, p.Met76Thr (NM_001305545.2); short protein forms M203T, M76T.
Identifiers: ClinVar variation 3342872 (VCV003342872.1).